The following is an entry in ClinVar:

NM_000352.6(ABCC8):c.2825C>G (p.Thr942Ser)

Gene: ABCC8 (ATP binding cassette subfamily C member 8; minus strand). Cytogenetic location: 11p15.1.
Variant type: single nucleotide variant.
Coding change: c.2825C>G on transcript NM_000352.6 (MANE Select); coding-DNA position 2825, C replaced by G.
Protein change: p.Thr942Ser; replaces threonine 942 with serine.
Molecular consequence: missense variant. On other transcripts: non-coding transcript variant (1).
Genome position (GRCh38, 1-based): chr11:17,407,449, G>C on the plus strand (C>G on the coding strand, the complement: ABCC8 is on the minus strand). VCF-style: chr11-17407449-G-C. GRCh37 (hg19) VCF-style: chr11-17428996-G-C.
Other names: c.2828C>G, p.Thr943Ser (NM_001287174.3); c.2891C>G, p.Thr964Ser (NM_001351295.2); c.2825C>G, p.Thr942Ser (NM_001351296.2); c.2822C>G, p.Thr941Ser (NM_001351297.2); short protein forms T941S, T942S, T943S, T964S.
Identifiers: ClinVar variation 1337586 (VCV001337586.4), dbSNP rs1224638633, ClinGen allele CA379804796.

ClinVar aggregate classification (germline): Uncertain significance (1 of 4 stars; one submission).

Submission:

Genetic Services Laboratory, University of Chicago
Classification: Uncertain significance. Last evaluated: 2020-04-10. Review status: criteria provided, single submitter. Criteria: ACMG Guidelines, 2015. Collection method: clinical testing. Allele origin: germline. Affected: no.
Comment: DNA sequence analysis of the ABCC8 gene demonstrated a sequence change, c.2825C>G, in exon 24 that results in an amino acid change, p.Thr942Ser. This sequence change does not appear to have been previously described in patients with ABCC8-related disorders and has also not been described as a known benign sequence change in the ABCC8 gene. The p.Thr942Ser change affects a highly conserved amino acid residue located in a domain of the ABCC8 protein that is not known to be functional. The p.Thr942Ser substitution appears to be benign using several in-silico pathogenicity prediction tools (SIFT, PolyPhen2, Align GVGD, REVEL). Due to these contrasting evidences and the lack of functional studies, the clinical significance of the p.Thr942Ser change remains unknown at this time.